The following is an entry in ClinVar:

NM_000143.4(FH):c.841A>G (p.Thr281Ala)

Gene: FH (fumarate hydratase; minus strand). Cytogenetic location: 1q43.
Variant type: single nucleotide variant.
Coding change: c.841A>G on transcript NM_000143.4 (MANE Select); coding-DNA position 841, A replaced by G.
Protein change: p.Thr281Ala; replaces threonine 281 with alanine.
Molecular consequence: missense variant.
Genome position (GRCh38, 1-based): chr1:241,506,066, T>C on the plus strand (A>G on the coding strand, the complement: FH is on the minus strand). VCF-style: chr1-241506066-T-C. GRCh37 (hg19) VCF-style: chr1-241669366-T-C.
Other names: short protein forms T281A.
Identifiers: ClinVar variation 4871316 (VCV004871316.1).

ClinVar aggregate classification (germline): Pathogenic (1 of 4 stars; one submission).

Conditions:
Hereditary cancer-predisposing syndrome. Also called: Neoplastic Syndromes, Hereditary; Hereditary Cancer Syndrome; Hereditary neoplastic syndrome; Tumor predisposition. Identifiers: Orphanet 140162, MedGen C0027672, MeSH D009386, MONDO:0015356.

Submission:

Ambry Genetics
Classification: Pathogenic for Hereditary cancer-predisposing syndrome. Last evaluated: 2026-03-23. Review status: criteria provided, single submitter. Criteria: Ambry Variant Classification Scheme 2023. Collection method: clinical testing. Allele origin: germline.
Comment: The p.T281A pathogenic mutation (also known as c.841A>G), located in coding exon 6 of the FH gene, results from an A to G substitution at nucleotide position 841. The threonine at codon 281 is replaced by alanine, an amino acid with similar properties. This variant was reported in individual(s) with features consistent with FH-related tumor predisposition (Muller M et al. Clin Genet. 2017 Dec;92:606-615). Other variant(s) at the same codon, p.T281R (c.842C>G) and p.T281I (c.842C>T), have been identified in individual(s) with features consistent with FH-related tumor predisposition (Muller M et al. Clin Genet. 2017 Dec;92:606-615; Ambry internal data). This variant is considered to be rare based on population cohorts in the Genome Aggregation Database (gnomAD). This amino acid position is highly conserved in available vertebrate species. In addition, this alteration is predicted to be deleterious by in silico analysis. Based on the supporting evidence, this variant is interpreted as a disease-causing mutation.

Literature cited by the submitters: PubMed 28300276.